The following is an entry in ClinVar:

NM_006939.4(SOS2):c.395C>T (p.Ala132Val)

Gene: SOS2 (SOS Ras/Rho guanine nucleotide exchange factor 2; minus strand). Cytogenetic location: 14q21.3.
Variant type: single nucleotide variant.
Coding change: c.395C>T on transcript NM_006939.4 (MANE Select); coding-DNA position 395, C replaced by T.
Protein change: p.Ala132Val; replaces alanine 132 with valine.
Molecular consequence: missense variant.
Genome position (GRCh38, 1-based): chr14:50,199,806, G>A on the plus strand (C>T on the coding strand, the complement: SOS2 is on the minus strand). VCF-style: chr14-50199806-G-A. GRCh37 (hg19) VCF-style: chr14-50666524-G-A.
Other names: c.395C>T, p.Ala132Val (NM_001411020.1); short protein forms A132V.
Identifiers: ClinVar variation 1987837 (VCV001987837.4), dbSNP rs2503185996, ClinGen allele CA389649692.
Genomic context (GRCh38, chr14:50,199,806, plus strand): 5'-ATATTAAAAACATAATTACCAGCCAATTTTAAAATATCAGCTGAGATATACTCTAGTACA[G>A]CCACAATATATAGGGATACATGGTAGTCCACTTTGTACCCTAATACTTCCTGTGAAAAGA-3'
Protein context (NP_008870.2, residues 122-142): VDYHVSLYIV[Ala132Val]VLEYISADIL

ClinVar aggregate classification (germline): Uncertain significance (1 of 4 stars; one submission).

Conditions:
Noonan syndrome 9 (NS9). Identifiers: Orphanet 648, MedGen C4225282, MONDO:0014691, OMIM 616559.

Submission:

Labcorp Genetics (formerly Invitae), Labcorp
Classification: Uncertain significance for Noonan syndrome 9. Last evaluated: 2022-04-13. Review status: criteria provided, single submitter. Criteria: Invitae Variant Classification Sherloc (09022015). Collection method: clinical testing. Allele origin: germline.
Comment: This sequence change replaces alanine, which is neutral and non-polar, with valine, which is neutral and non-polar, at codon 132 of the SOS2 protein (p.Ala132Val). In summary, the available evidence is currently insufficient to determine the role of this variant in disease. Therefore, it has been classified as a Variant of Uncertain Significance. Algorithms developed to predict the effect of missense changes on protein structure and function are either unavailable or do not agree on the potential impact of this missense change (SIFT: "Tolerated"; PolyPhen-2: "Probably Damaging"; Align-GVGD: "Class C0"). This variant has not been reported in the literature in individuals affected with SOS2-related conditions. This variant is not present in population databases (gnomAD no frequency).